The following is an entry in ClinVar:

NM_017721.5(CC2D1A):c.313-1G>A

Gene: CC2D1A (coiled-coil and C2 domain containing 1A; plus strand). Cytogenetic location: 19p13.12.
Variant type: single nucleotide variant.
Coding change: c.313-1G>A on transcript NM_017721.5 (MANE Select); the canonical splice acceptor site of the intron before coding-DNA position 313, G replaced by A.
Molecular consequence: splice acceptor variant.
Genome position (GRCh38, 1-based): chr19:13,912,527, G>A. VCF-style: chr19-13912527-G-A. GRCh37 (hg19) VCF-style: chr19-14023340-G-A.
Other names: c.313-1G>A (NM_001411138.1).
Identifiers: ClinVar variation 2714274 (VCV002714274.3), dbSNP rs2513071407, ClinGen allele CA404376210.

ClinVar aggregate classification (germline): Likely pathogenic (1 of 4 stars; one submission).

Submission:

Labcorp Genetics (formerly Invitae), Labcorp
Classification: Likely pathogenic. Last evaluated: 2024-01-30. Review status: criteria provided, single submitter. Criteria: Invitae Variant Classification Sherloc (09022015). Collection method: clinical testing. Allele origin: germline.
Comment: This sequence change affects an acceptor splice site in intron 3 of the CC2D1A gene. It is expected to disrupt RNA splicing. Variants that disrupt the donor or acceptor splice site typically lead to a loss of protein function (PMID: 16199547), and loss-of-function variants in CC2D1A are known to be pathogenic (PMID: 16033914). This variant is not present in population databases (gnomAD no frequency). This variant has not been reported in the literature in individuals affected with CC2D1A-related conditions. Algorithms developed to predict the effect of sequence changes on RNA splicing suggest that this variant may disrupt the consensus splice site. In summary, the currently available evidence indicates that the variant is pathogenic, but additional data are needed to prove that conclusively. Therefore, this variant has been classified as Likely Pathogenic.

Literature cited by the submitters: PubMed 16199547; PubMed 16033914.